The following is an entry in ClinVar:

ClinVar aggregate classification (germline): Uncertain significance. Review status: criteria provided, multiple submitters, no conflicts (2 of 4 stars). 3 submissions from 3 submitters: Uncertain significance (3). Last evaluated 2026-09-01.

Conditions:
Inborn genetic diseases. Identifiers: MedGen C0950123, MeSH D030342.

gnomAD v4.1: 95 of 1,613,664 alleles (0.0059%); highest among the groups gnomAD compares: African/African-American, 0.0067%; no homozygotes.

Submissions (3):

CeGaT Center for Human Genetics Tuebingen
Classification: Uncertain significance. Last evaluated: 2026-09-01. Review status: criteria provided, single submitter. Criteria: CeGaT Center For Human Genetics Tuebingen Variant Classification Criteria Version 2. Collection method: clinical testing. Allele origin: germline. Affected: yes. Observed: 1 variant allele.
Comment: ADAMTSL2: PM2, PM5:Supporting

Ambry Genetics
Classification: Uncertain significance for Inborn genetic diseases. Last evaluated: 2024-08-12. Review status: criteria provided, single submitter. Criteria: Ambry Variant Classification Scheme 2023. Collection method: clinical testing. Allele origin: germline.

Blueprint Genetics
Classification: Uncertain significance. Last evaluated: 2023-09-18. Review status: criteria provided, single submitter. Criteria: ACMG Guidelines, 2015. Collection method: clinical testing. Allele origin: germline.

NM_014694.4(ADAMTSL2):c.497G>A (p.Arg166His)

Gene: ADAMTSL2 (ADAMTS like 2; plus strand). Cytogenetic location: 9q34.2.
Variant type: single nucleotide variant.
Coding change: c.497G>A on transcript NM_014694.4 (MANE Select); coding-DNA position 497, G replaced by A.
Protein change: p.Arg166His; replaces arginine 166 with histidine.
Molecular consequence: missense variant.
Genome position (GRCh38, 1-based): chr9:133,540,682, G>A. VCF-style: chr9-133540682-G-A. GRCh37 (hg19) VCF-style: chr9-136405804-G-A.
Other names: c.497G>A, p.Arg166His (NM_001145320.2); short protein forms R166H.
Identifiers: ClinVar variation 3492483 (VCV003492483.3).